The following is an entry in ClinVar:

ClinVar aggregate classification (germline): Conflicting classifications of pathogenicity. Review status: criteria provided, conflicting classifications (1 of 4 stars). 2 submissions from 2 submitters: Likely pathogenic (1); Uncertain significance (1). Last evaluated 2025-03-08.

Conditions:
Complement component 5 deficiency. Also called: C5 DEFICIENCY. Identifiers: MedGen C0343047, MONDO:0012295, OMIM 609536.
Eculizumab, poor response to. Identifiers: MedGen C3810402, OMIM 615749.
C5-related disorder. Also called: C5-related condition.

Submissions (2):

PreventionGenetics, part of Exact Sciences
Classification: Likely pathogenic for C5-related condition. Last evaluated: 2025-03-08. Review status: criteria provided, single submitter. Criteria: ACMG Guidelines, 2015. Collection method: clinical testing. Allele origin: germline.
Comment: The C5 c.65+1delG variant is predicted to result in a deletion affecting a canonical splice site. This variant was reported in an individual with atypical hemolytic uremic syndrome (Supplementary Table S3, Rao et al. 2019. PubMed ID: 31328266). This variant is reported in 0.027% of alleles in individuals of East Asian descent in gnomAD. Splicing variants in C5 are expected to be pathogenic. This variant is interpreted as likely pathogenic.

Juno Genomics, Hangzhou Juno Genomics, Inc
Classification: Uncertain significance for Eculizumab, poor response to; Complement component 5 deficiency. Review status: criteria provided, single submitter. Criteria: ACMG Guidelines, 2015. Collection method: clinical testing. Allele origin: germline.
Comment: Null variant in a gene where loss of function (LOF) is a known mechanism of disease.;Absent from controls (or at extremely low frequency if recessive) in Genome Aggregation Database.

NM_001735.3(C5):c.65+1del

Gene: C5 (complement C5; minus strand). Cytogenetic location: 9q33.2.
Variant type: Deletion.
Coding change: c.65+1del on transcript NM_001735.3 (MANE Select); the canonical splice donor site of the intron after coding-DNA position 65, one base deleted (G; older notation c.65+1delG).
Molecular consequence: splice donor variant. On other transcripts: intron variant (1).
Genome position (GRCh38, 1-based): chr9:121,050,181, C deleted on the plus strand (G on the coding strand, the reverse complement: C5 is on the minus strand). VCF-style (leftmost placement, unchanged base first): chr9-121050180-AC-A. GRCh37 (hg19) VCF-style: chr9-123812458-AC-A.
Other names: c.84-3798del (NM_001317163.2); c.65+1del (NM_001317164.2).
Identifiers: ClinVar variation 5000444 (VCV005000444.2).